The following is an entry in ClinVar:

NM_000535.7(PMS2):c.2269G>T (p.Glu757Ter)

Gene: PMS2 (PMS1 homolog 2, mismatch repair system component; minus strand). Cytogenetic location: 7p22.1.
Variant type: single nucleotide variant.
Coding change: c.2269G>T on transcript NM_000535.7 (MANE Select); coding-DNA position 2269, G replaced by T.
Protein change: p.Glu757Ter; replaces glutamic acid 757 with a stop codon.
Molecular consequence: nonsense. On other transcripts: non-coding transcript variant (1).
Genome position (GRCh38, 1-based): chr7:5,978,602, C>A on the plus strand (G>T on the coding strand, the complement: PMS2 is on the minus strand). VCF-style: chr7-5978602-C-A. GRCh37 (hg19) VCF-style: chr7-6018233-C-A.
Other names: c.1864G>T, p.Glu622Ter (NM_001322003.2, NM_001322004.2, NM_001322005.2 and 1 more transcripts); c.2113G>T, p.Glu705Ter (NM_001322006.2); c.1951G>T, p.Glu651Ter (NM_001322007.2, NM_001322008.2); c.1708G>T, p.Glu570Ter (NM_001322010.2); c.1336G>T, p.Glu446Ter (NM_001322011.2, NM_001322012.2); c.1696G>T, p.Glu566Ter (NM_001322013.2); c.2269G>T, p.Glu757Ter (NM_001322014.2); c.1960G>T, p.Glu654Ter (NM_001322015.2); short protein forms E622*, E654*, E705*, E651*, E570*, E757*, E446*, E566*.
Identifiers: ClinVar variation 820987 (VCV000820987.9), dbSNP rs1583285344, ClinGen allele CA366736433.

ClinVar aggregate classification (germline): Pathogenic. Review status: criteria provided, multiple submitters, no conflicts (2 of 4 stars). 2 submissions from 2 submitters: Pathogenic (2). Last evaluated 2020-08-20.

Conditions:
Hereditary nonpolyposis colorectal neoplasms. Identifiers: MedGen C0009405, MeSH D003123.
Hereditary cancer-predisposing syndrome. Also called: Neoplastic Syndromes, Hereditary; Tumor predisposition; Hereditary Cancer Syndrome; Hereditary neoplastic syndrome. Identifiers: Orphanet 140162, MedGen C0027672, MeSH D009386, MONDO:0015356.

Submissions (2):

Labcorp Genetics (formerly Invitae), Labcorp
Classification: Pathogenic for Hereditary nonpolyposis colorectal neoplasms. Last evaluated: 2020-08-20. Review status: criteria provided, single submitter. Criteria: Invitae Variant Classification Sherloc (09022015). Collection method: clinical testing. Allele origin: germline.
Comment: For these reasons, this variant has been classified as Pathogenic. Loss-of-function variants in PMS2 are known to be pathogenic (PMID: 21376568, 24362816). This variant has not been reported in the literature in individuals with PMS2-related conditions. ClinVar contains an entry for this variant (Variation ID: 820987). The frequency data for this variant in the population databases (ExAC) is considered unreliable due to the presence of homologous sequence, such as pseudogenes or paralogs, in the genome. This sequence change creates a premature translational stop signal (p.Glu757*) in the PMS2 gene. It is expected to result in an absent or disrupted protein product.

Ambry Genetics
Classification: Pathogenic for Hereditary cancer-predisposing syndrome. Last evaluated: 2018-06-14. Review status: criteria provided, single submitter. Criteria: Ambry Variant Classification Scheme 2023. Collection method: clinical testing. Allele origin: germline.
Comment: The p.E757* pathogenic mutation (also known as c.2269G>T), located in coding exon 13 of the PMS2 gene, results from a G to T substitution at nucleotide position 2269. This changes the amino acid from a glutamic acid to a stop codon within coding exon 13. This alteration is expected to result in loss of function by premature protein truncation or nonsense-mediated mRNA decay. As such, this alteration is interpreted as a disease-causing mutation.

Literature cited by the submitters: PubMed 21376568 (cited by Labcorp Genetics (formerly Invitae), Labcorp); PubMed 24362816 (cited by Labcorp Genetics (formerly Invitae), Labcorp).